The following is an entry in ClinVar:

NM_000334.4(SCN4A):c.393-1C>T

Gene: SCN4A (sodium voltage-gated channel alpha subunit 4; minus strand). Cytogenetic location: 17q23.3.
Variant type: single nucleotide variant.
Coding change: c.393-1C>T on transcript NM_000334.4 (MANE Select); the canonical splice acceptor site of the intron before coding-DNA position 393, C replaced by T.
Molecular consequence: splice acceptor variant.
Genome position (GRCh38, 1-based): chr17:63,972,226, G>A on the plus strand (C>T on the coding strand, the complement: SCN4A is on the minus strand). VCF-style: chr17-63972226-G-A. GRCh37 (hg19) VCF-style: chr17-62049586-G-A.
Identifiers: ClinVar variation 543805 (VCV000543805.11), dbSNP rs1199378574, ClinGen allele CA400639785.

ClinVar aggregate classification (germline): Conflicting classifications of pathogenicity. Review status: criteria provided, conflicting classifications (1 of 4 stars). 3 submissions from 3 submitters: Pathogenic (1); Uncertain significance (2). Last evaluated 2024-04-22.

Conditions:
Hyperkalemic periodic paralysis. Also called: Familial hyperkalemic periodic paralysis; Gamstorp disease. Identifiers: Orphanet 682, MedGen C0238357, MONDO:0008224, OMIM 170500, HP:0007215.
Congenital myasthenic syndrome 16. Identifiers: Orphanet 590, MedGen C3280112, MONDO:0013620, OMIM 614198.
Hypokalemic periodic paralysis, type 1. Also called: Hypokalemic Periodic Paralysis Type 1 (AD); HypoPP. Identifiers: Orphanet 681, MedGen C3714580, MONDO:0042979, OMIM 170400.
Paramyotonia congenita of Von Eulenburg. Also called: Myotonia congenita intermittens; Von Eulenburg paramyotonia congenita; Paramyotonia Congenita; PARALYSIS PERIODICA PARAMYOTONICA; Eulenburg disease. Identifiers: Orphanet 684, MedGen C0221055, MONDO:0008195, OMIM 168300. Disease mechanism: loss of function.
Hypokalemic periodic paralysis, type 2 (HOKPP2). Identifiers: Orphanet 681, MedGen C2750061, MONDO:0013234, OMIM 613345.
Potassium-aggravated myotonia. Also called: Myotonia congenita, atypical, acetazolamide-responsive; MYOTONIA CONGENITA, ACETAZOLAMIDE-RESPONSIVE; MYOTONIA CONGENITA, ATYPICAL; SODIUM CHANNEL MUSCLE DISEASE. Identifiers: Orphanet 612, Orphanet 99734, Orphanet 99735, Orphanet 99736, MedGen C2931826, MONDO:0018959, OMIM 608390.

Allele frequency attached by ClinVar (database versions not stated): gnomAD 0.00001; gnomAD exomes below 0.00001; TOPMed below 0.00001.
gnomAD v4.1: 5 of 1,612,728 alleles (0.00031%); highest among the groups gnomAD compares: East Asian, 0.0022%; no homozygotes.

Submissions (3):

Labcorp Genetics (formerly Invitae), Labcorp
Classification: Pathogenic for Hyperkalemic periodic paralysis. Last evaluated: 2024-04-22. Review status: criteria provided, single submitter. Criteria: Invitae Variant Classification Sherloc (09022015). Collection method: clinical testing. Allele origin: germline.
Comment: This sequence change affects an acceptor splice site in intron 2 of the SCN4A gene. It is expected to disrupt RNA splicing. Variants that disrupt the donor or acceptor splice site typically lead to a loss of protein function (PMID: 16199547), and loss-of-function variants in SCN4A are known to be pathogenic (PMID: 26700687). This variant is present in population databases (no rsID available, gnomAD 0.005%). Disruption of this splice site has been observed in individual(s) with clinical features of autosomal recessive SCN4A-related conditions (Invitae). In at least one individual the data is consistent with being in trans (on the opposite chromosome) from a pathogenic variant. ClinVar contains an entry for this variant (Variation ID: 543805). Experimental studies and prediction algorithms are not available or were not evaluated, and the effect of this variant on mRNA splicing is currently unknown. For these reasons, this variant has been classified as Pathogenic.

Revvity Omics, Revvity
Classification: Uncertain significance. Last evaluated: 2022-01-11. Review status: criteria provided, single submitter. Criteria: ACMG Guidelines, 2015. Collection method: clinical testing. Allele origin: germline.

Fulgent Genetics
Classification: Uncertain significance for Paramyotonia congenita of Von Eulenburg; Hypokalemic periodic paralysis, type 1; Hyperkalemic periodic paralysis; Potassium-aggravated myotonia; Hypokalemic periodic paralysis, type 2; Congenital myasthenic syndrome 16. Last evaluated: 2021-09-22. Review status: criteria provided, single submitter. Criteria: ACMG Guidelines, 2015. Collection method: clinical testing. Allele origin: unknown.

Literature cited by the submitters: PubMed 16199547 (cited by Labcorp Genetics (formerly Invitae), Labcorp); PubMed 26700687 (cited by Labcorp Genetics (formerly Invitae), Labcorp).